The following is an entry in ClinVar:

ClinVar aggregate classification (germline): Uncertain significance. Review status: criteria provided, multiple submitters, no conflicts (2 of 4 stars). 2 submissions from 2 submitters: Uncertain significance (2). Last evaluated 2025-06-10.

Conditions:
Inborn genetic diseases. Identifiers: MedGen C0950123, MeSH D030342.
Baller-Gerold syndrome (BGS). Also called: CRANIOSYNOSTOSIS WITH RADIAL DEFECTS. Identifiers: Orphanet 1225, MedGen C0265308, MONDO:0009039, OMIM 218600.

Allele frequency attached by ClinVar (database versions not stated): gnomAD exomes 0.00001; ExAC 0.00003.

Submissions (2):

Labcorp Genetics (formerly Invitae), Labcorp
Classification: Uncertain significance for Baller-Gerold syndrome. Last evaluated: 2025-06-10. Review status: criteria provided, single submitter. Criteria: Invitae Variant Classification Sherloc (09022015). Collection method: clinical testing. Allele origin: germline.
Comment: This sequence change replaces arginine, which is basic and polar, with histidine, which is basic and polar, at codon 646 of the RECQL4 protein (p.Arg646His). This variant is present in population databases (rs762767243, gnomAD 0.008%). This variant has not been reported in the literature in individuals affected with RECQL4-related conditions. ClinVar contains an entry for this variant (Variation ID: 944836). Invitae Evidence Modeling of protein sequence and biophysical properties (such as structural, functional, and spatial information, amino acid conservation, physicochemical variation, residue mobility, and thermodynamic stability) indicates that this missense variant is not expected to disrupt RECQL4 protein function with a negative predictive value of 80%. In summary, the available evidence is currently insufficient to determine the role of this variant in disease. Therefore, it has been classified as a Variant of Uncertain Significance.

Ambry Genetics
Classification: Uncertain significance for Inborn genetic diseases. Last evaluated: 2025-01-27. Review status: criteria provided, single submitter. Criteria: Ambry Variant Classification Scheme 2023. Collection method: clinical testing. Allele origin: germline.
Comment: The p.R646H variant (also known as c.1937G>A), located in coding exon 12 of the RECQL4 gene, results from a G to A substitution at nucleotide position 1937. The arginine at codon 646 is replaced by histidine, an amino acid with highly similar properties. This amino acid position is conserved. In addition, this alteration is predicted to be tolerated by in silico analysis. Based on the available evidence, the clinical significance of this variant remains unclear.

NM_004260.4(RECQL4):c.1937G>A (p.Arg646His)

Gene: RECQL4 (RecQ like helicase 4; minus strand). Cytogenetic location: 8q24.3.
Variant type: single nucleotide variant.
Coding change: c.1937G>A on transcript NM_004260.4 (MANE Select); coding-DNA position 1937, G replaced by A.
Protein change: p.Arg646His; replaces arginine 646 with histidine.
Molecular consequence: missense variant.
Genome position (GRCh38, 1-based): chr8:144,514,049, C>T on the plus strand (G>A on the coding strand, the complement: RECQL4 is on the minus strand). VCF-style: chr8-144514049-C-T. GRCh37 (hg19) VCF-style: chr8-145739433-C-T.
Other names: short protein forms R646H.
Identifiers: ClinVar variation 944836 (VCV000944836.7), dbSNP rs762767243, ClinGen allele CA4948570.
Genomic context (GRCh38, chr8:144,514,049, plus strand): 5'-CCGTGGAGGTCAGGCTCTTCAGCCACAGCCAGGTGCTGTGCCACGTCACTGGCAGTGCGG[C>T]GTGTGGCTGTGGCTGTGAGGCCCAGGAAGCAGTGCACGCCCATGCGCTCCCGAAGCACCT-3'
Protein context (NP_004251.4, residues 636-656): CFLGLTATAT[Arg646His]RTASDVAQHL